The following is an entry in ClinVar:

NM_025103.4(IFT74):c.1334-9_1334-5del

Gene: IFT74 (intraflagellar transport 74; plus strand). Cytogenetic location: 9p21.2.
Variant type: Deletion.
Coding change: c.1334-9_1334-5del on transcript NM_025103.4 (MANE Select); 9 bases into the intron before coding-DNA position 1334 through 5 bases into the intron before coding-DNA position 1334, 5 bases deleted (ATGTT; older notation c.1334-9_1334-5delATGTT).
Molecular consequence: intron variant.
Genome position (GRCh38, 1-based): chr9:27,055,600-27,055,604, ATGTT deleted; deleting any 5 consecutive bases within chr9:27,055,598-27,055,604 gives the same sequence; the c. name uses the placement nearest the transcript's 3' end. VCF-style (leftmost placement, unchanged base first): chr9-27055597-CTTATG-C. GRCh37 (hg19) VCF-style: chr9-27055595-CTTATG-C.
Other names: c.1334-9_1334-5del (NM_001099223.3, NM_001099222.3, NM_001349928.2); c.1334-9_1334-5del5 (NM_025103.2).
Identifiers: ClinVar variation 2909871 (VCV002909871.4), dbSNP rs1324056936, ClinGen allele CA587123566.
Genomic context (GRCh38, chr9:27,055,597, plus strand): 5'-GTTGCATTACATTTCCTTATGTGAAAGGAATAAAATTTTGATTAATTATCACCTTAAATT[CTTATG>C]TTTCAGACATTCAACGTCTGCAGTTGGATCTGCAGAAAATGGAGCTTCTAGAAAGTAAGA-3'

ClinVar aggregate classification (germline): Likely benign. Review status: criteria provided, multiple submitters, no conflicts (2 of 4 stars). 2 submissions from 2 submitters: Likely benign (2). Last evaluated 2026-08-12.

Conditions:
IFT74-related disorder. Also called: IFT74-related condition; IFT74-Related Disorders.

Submissions (2):

PreventionGenetics, part of Exact Sciences
Classification: Likely benign for IFT74-related condition. Last evaluated: 2026-08-12. Review status: criteria provided, single submitter. Criteria: ACMG Guidelines, 2015. Collection method: clinical testing. Allele origin: germline.
Comment: This variant is classified as likely benign based on ACMG/AMP sequence variant interpretation guidelines (Richards et al. 2015 PMID: 25741868, with internal and published modifications).

Labcorp Genetics (formerly Invitae), Labcorp
Classification: Likely benign. Last evaluated: 2022-10-31. Review status: criteria provided, single submitter. Criteria: Invitae Variant Classification Sherloc (09022015). Collection method: clinical testing. Allele origin: germline.